The following is an entry in ClinVar:

NM_144585.4(SLC22A12):c.774G>A (p.Trp258Ter)

Gene: SLC22A12 (solute carrier family 22 member 12; plus strand). Cytogenetic location: 11q13.1.
Variant type: single nucleotide variant.
Coding change: c.774G>A on transcript NM_144585.4 (MANE Select); coding-DNA position 774, G replaced by A.
Protein change: p.Trp258Ter; replaces tryptophan 258 with a stop codon.
Molecular consequence: nonsense. On other transcripts: intron variant (1).
Genome position (GRCh38, 1-based): chr11:64,593,747, G>A. VCF-style: chr11-64593747-G-A. GRCh37 (hg19) VCF-style: chr11-64361219-G-A.
Other names: c.672G>A, p.Trp224Ter (NM_001276326.2); c.111G>A, p.Trp37Ter (NM_153378.3); c.506+865G>A (NM_001276327.2); short protein forms W258*, W37*, W224*.
Identifiers: ClinVar variation 3512 (VCV000003512.23), dbSNP rs121907892, ClinGen allele CA116312.

ClinVar aggregate classification (germline): Pathogenic. Review status: criteria provided, multiple submitters, no conflicts (2 of 4 stars). 10 submissions from 10 submitters: Pathogenic (8). 2 of the submissions do not count toward it. Last evaluated 2024-06-28.

Conditions:
SLC22A12-related disorder. Also called: SLC22A12-related condition.
Dalmatian hypouricemia (RHUC1). Identifiers: MedGen C0473219, MONDO:0020728, OMIM 220150.

Allele frequency attached by ClinVar (database versions not stated): TOPMed 0.00002; gnomAD 0.00018 and 0.00006; 1000 Genomes Project 0.00100; gnomAD exomes 0.00028; ExAC 0.00030; 1000 Genomes Project 30x 0.00078.

Submissions (10):

3billion
Classification: Pathogenic for Dalmatian hypouricemia. Last evaluated: 2024-06-28. Review status: criteria provided, single submitter. Criteria: ACMG Guidelines, 2015. Collection method: clinical testing. Allele origin: germline. Affected: yes.
Comment: The variant is observed in the gnomAD v4.0.0 dataset (total allele frequency: 0.038%). Predicted Consequence/Location: Stop-gained (nonsense): predicted to result in a loss or disruption of normal protein function through nonsense-mediated decay (NMD) or protein truncation. Multiple pathogenic variants are reported downstream of the variant. The variant has been reported at least twice as pathogenic with clinical assertions and evidence for the classification (ClinVar ID: VCV000003512 /PMID: 12024214 /3billion dataset). Therefore, this variant is classified as Pathogenic according to the recommendation of ACMG/AMP guideline.

Fulgent Genetics
Classification: Pathogenic for Dalmatian hypouricemia. Last evaluated: 2024-04-05. Review status: criteria provided, single submitter. Criteria: ACMG Guidelines, 2015. Collection method: clinical testing. Allele origin: germline.

Labcorp Genetics (formerly Invitae), Labcorp
Classification: Pathogenic. Last evaluated: 2023-04-07. Review status: criteria provided, single submitter. Criteria: Invitae Variant Classification Sherloc (09022015). Collection method: clinical testing. Allele origin: germline.
Comment: For these reasons, this variant has been classified as Pathogenic. ClinVar contains an entry for this variant (Variation ID: 3512). This premature translational stop signal has been observed in individuals with renal hypouricemia (PMID: 19092327, 22257548, 23525542, 23652934). This variant is present in population databases (rs121907892, gnomAD 0.3%). This sequence change creates a premature translational stop signal (p.Trp258*) in the SLC22A12 gene. It is expected to result in an absent or disrupted protein product. Loss-of-function variants in SLC22A12 are known to be pathogenic (PMID: 14694169).

Blueprint Genetics
Classification: Pathogenic for SLC22A12-related disorders. Last evaluated: 2022-01-21. Review status: criteria provided, single submitter. Criteria: ACMG Guidelines, 2015. Collection method: clinical testing. Allele origin: germline. Affected: yes. Observed: 4 variant alleles.

Revvity Omics, Revvity
Classification: Pathogenic for Dalmatian hypouricemia. Last evaluated: 2020-02-21. Review status: criteria provided, single submitter. Criteria: ACMG Guidelines, 2015. Collection method: clinical testing. Allele origin: germline.

Illumina Laboratory Services, Illumina
Classification: Pathogenic for Dalmatian hypouricemia. Last evaluated: 2017-04-27. Review status: criteria provided, single submitter. Criteria: ICSL Variant Classification Criteria 09 May 2019. Collection method: clinical testing. Allele origin: germline.
Comment: The SLC22A12 c.774G>A (p.Trp258Ter) variant is a stop gained variant predicted to result in premature termination of the protein. The p.Trp258Ter variant is widely reported in the literature as the most common variant associated with renal hypouricemia in Japanese patients, and one of the most common variants in Korean renal hypouricemia patients. Across a selection of the available literature, the p.Trp258Ter variant has been reported in 79 of 91 Japanese and Korean patients, including in 42 individuals in a homozygous state, 24 individuals in a compound heterozygous state, and 13 individuals in a heterozygous state in whom a second variant was not detected (Enomoto et al. 2002; Tanaka et al. 2003; Komoda et al. 2004; Cheong et al. 2005; Komatsuda et al. 2006; Ichida et al. 2008). In a study of 909 subjects from the general Korean population, the p.Trp258Ter variant was observed in one compound heterozygote and 19 heterozygotes, seven of whom had hypouricemia, while a study of 5023 subjects from the general Japanese population reported the p.Trp258Ter variant in five homozygotes, all of whom had hypouricemia, and 225 heterozygotes (Lee et al. 2008; Hamajima et al. 2011). The variant was absent from 424 healthy controls in the above studies but is reported at a frequency of 0.02404 in the Japanese in Tokyo, Japan population of the 1000 Genome Project. This allele frequency is high but is consistent with the disease prevalence. Due to the potential impact of stop-gained variants and the supporting evidence from the literature, the p.Trp258Ter variant is classified as pathogenic for renal hypouricemia. This variant was observed by ICSL as part of a predisposition screen in an ostensibly healthy population.

Soonchunhyang University Bucheon Hospital, Soonchunhyang University Medical Center
Classification: Pathogenic for Dalmatian hypouricemia. Last evaluated: 2016-03-18. Review status: criteria provided, single submitter. Criteria: ACMG Guidelines, 2015. Collection method: reference population. Allele origin: germline. Observed: 2 variant alleles.

Juno Genomics, Hangzhou Juno Genomics, Inc
Classification: Pathogenic for Dalmatian hypouricemia. Review status: criteria provided, single submitter. Criteria: ACMG Guidelines, 2015. Collection method: clinical testing. Allele origin: germline.
Comment: Allele frequency is greater than expected for disorder.;Null variant in a gene where loss of function (LOF) is a known mechanism of disease.;For recessive disorders, detected in trans with a pathogenic variant.

PreventionGenetics, part of Exact Sciences
Classification: Likely pathogenic for SLC22A12-related condition. Last evaluated: 2024-01-17. Review status: no assertion criteria provided. Collection method: clinical testing. Allele origin: germline. Not counted in ClinVar's aggregate classification.
Comment: The SLC22A12 c.774G>A variant is predicted to result in premature protein termination (p.Trp258*). This variant is considered one of the most common variants associated with renal hypouricemia in individuals of Japanese and Korean descent (Taniguchi et al. 2005. PubMed ID: 16059895; Cheong et al. 2005. PubMed ID: 15912381). Functional studies showed defects in cellular localization and urate transport activity (Enomoto et al. 2002. PubMed ID: 12024214). This variant is reported in 0.36% of alleles in individuals of East Asian descent in gnomAD. Nonsense variants in SLC22A12 are expected to be pathogenic. This variant is interpreted as likely pathogenic.

OMIM
Classification: Pathogenic for HYPOURICEMIA, RENAL, 1. Last evaluated: 2008-09-01. Review status: no assertion criteria provided. Collection method: literature only. Allele origin: germline. Not counted in ClinVar's aggregate classification.

Literature cited by the submitters: PubMed 12024214 (cited by 4 submitters); PubMed 19092327 (cited by Labcorp Genetics (formerly Invitae), Labcorp); PubMed 22257548 (cited by Labcorp Genetics (formerly Invitae), Labcorp); PubMed 23525542 (cited by Labcorp Genetics (formerly Invitae), Labcorp and Soonchunhyang University Bucheon Hospital, Soonchunhyang University Medical Center); PubMed 23652934 (cited by Labcorp Genetics (formerly Invitae), Labcorp); PubMed 14694169 (cited by Labcorp Genetics (formerly Invitae), Labcorp); PubMed 18492088 (cited by 3 submitters); PubMed 15912381 (cited by Illumina Laboratory Services, Illumina); PubMed 14655203 (cited by Illumina Laboratory Services, Illumina and OMIM); PubMed 15054642 (cited by Illumina Laboratory Services, Illumina); PubMed 16703794 (cited by Illumina Laboratory Services, Illumina); PubMed 21366895 (cited by Illumina Laboratory Services, Illumina); PubMed 19019168 (cited by Illumina Laboratory Services, Illumina).